The following is an entry in ClinVar:

NM_000096.4(CP):c.788A>G (p.Asn263Ser)

Gene: CP (ceruloplasmin; minus strand). Cytogenetic location: 3q25.1.
Variant type: single nucleotide variant.
Coding change: c.788A>G on transcript NM_000096.4 (MANE Select); coding-DNA position 788, A replaced by G.
Protein change: p.Asn263Ser; replaces asparagine 263 with serine.
Molecular consequence: missense variant. On other transcripts: non-coding transcript variant (1).
Genome position (GRCh38, 1-based): chr3:149,207,611, T>C on the plus strand (A>G on the coding strand, the complement: CP is on the minus strand). VCF-style: chr3-149207611-T-C. GRCh37 (hg19) VCF-style: chr3-148925398-T-C.
Other names: short protein forms N263S.
Identifiers: ClinVar variation 343782 (VCV000343782.23), dbSNP rs150303869, ClinGen allele CA2661223.

ClinVar aggregate classification (germline): Conflicting classifications of pathogenicity. Review status: criteria provided, conflicting classifications (1 of 4 stars). 10 submissions from 10 submitters: Uncertain significance (7); Likely benign (1). 2 of the submissions do not count toward it. Last evaluated 2026-09-24.

Conditions:
Deficiency of ferroxidase (ACEP). Also called: Aceruloplasminemia; Deficiency of ceruloplasmin; NEURODEGENERATION WITH BRAIN IRON ACCUMULATION 10; Ceruloplasmin deficiency; Familial apoceruloplasmin deficiency; Hereditary ceruloplasmin deficiency. Identifiers: Orphanet 48818, MedGen C0878682, MONDO:0011426, OMIM 604290, HP:0025498.
CP-related disorder. Also called: CP-related condition.

Allele frequency attached by ClinVar (database versions not stated): 1000 Genomes Project 30x 0.00031; ESP Exome Variant Server 0.00031; TOPMed 0.00031; gnomAD 0.00038 and 0.00041; 1000 Genomes Project 0.00040; gnomAD exomes 0.00042 and 0.00053; ExAC 0.00051.
gnomAD v4.1: 827 of 1,613,904 alleles (0.051%); highest among the groups gnomAD compares: Middle Eastern, 0.16%; 3 homozygotes.

Submissions (10):

GeneDx
Classification: Uncertain significance. Last evaluated: 2026-09-24. Review status: criteria provided, single submitter. Criteria: GeneDx Variant Classification Process June 2021. Collection method: clinical testing. Allele origin: germline.
Comment: Reported previously as a heterozygous variant in a patient with HELLP syndrome who also harbored heterozygous variant in other genes (PMID: 33059327); In silico analysis supports that this missense variant has a deleterious effect on protein structure/function; This variant is associated with the following publications: (PMID: 20981230, 33059327)

CeGaT Center for Human Genetics Tuebingen
Classification: Likely benign. Last evaluated: 2025-11-01. Review status: criteria provided, single submitter. Criteria: CeGaT Center For Human Genetics Tuebingen Variant Classification Criteria Version 2. Collection method: clinical testing. Allele origin: germline. Affected: yes. Observed: 1 variant allele.
Comment: CP: BS2

PreventionGenetics, part of Exact Sciences
Classification: Uncertain significance for CP-related condition. Last evaluated: 2025-01-28. Review status: criteria provided, single submitter. Criteria: ACMG Guidelines, 2015. Collection method: clinical testing. Allele origin: germline.
Comment: The CP c.788A>G variant is predicted to result in the amino acid substitution p.Asn263Ser. This variant has been reported in an individual with HELLP syndrome who also carried a second variant in the CP gene (c.2687C>T; Jiménez et al. 2020. PubMed ID: 33059327). It has also been reported as a single heterozygous variant in an individual with Parkinson disease (Castiglioni et al. 2010. PubMed ID: 20981230). The c.788A>G variant is reported in 0.066% of alleles in individuals of European (non-Finnish) descent in gnomAD. At this time, the clinical significance of this variant is uncertain due to the absence of conclusive functional and genetic evidence.

Blueprint Genetics
Classification: Uncertain significance. Last evaluated: 2024-11-21. Review status: criteria provided, single submitter. Criteria: ACMG Guidelines, 2015. Collection method: clinical testing. Allele origin: germline.

Labcorp Genetics (formerly Invitae), Labcorp
Classification: Uncertain significance for Deficiency of ferroxidase. Last evaluated: 2022-10-17. Review status: criteria provided, single submitter. Criteria: Invitae Variant Classification Sherloc (09022015). Collection method: clinical testing. Allele origin: germline.
Comment: This sequence change replaces asparagine, which is neutral and polar, with serine, which is neutral and polar, at codon 263 of the CP protein (p.Asn263Ser). This variant is present in population databases (rs150303869, gnomAD 0.06%). This variant has not been reported in the literature in individuals affected with CP-related conditions. ClinVar contains an entry for this variant (Variation ID: 343782). Advanced modeling of protein sequence and biophysical properties (such as structural, functional, and spatial information, amino acid conservation, physicochemical variation, residue mobility, and thermodynamic stability) performed at Invitae indicates that this missense variant is expected to disrupt CP protein function. In summary, the available evidence is currently insufficient to determine the role of this variant in disease. Therefore, it has been classified as a Variant of Uncertain Significance.

Department of Pathology and Laboratory Medicine, Sinai Health System
Classification: Uncertain significance for aceruloplasminemia. Last evaluated: 2022-08-02. Review status: criteria provided, single submitter. Criteria: ACMG Guidelines, 2015. Collection method: research. Allele origin: germline.

Fulgent Genetics
Classification: Uncertain significance for Deficiency of ferroxidase. Last evaluated: 2021-08-17. Review status: criteria provided, single submitter. Criteria: ACMG Guidelines, 2015. Collection method: clinical testing. Allele origin: unknown.

Illumina Laboratory Services, Illumina
Classification: Uncertain significance for Deficiency of ferroxidase. Last evaluated: 2018-01-12. Review status: criteria provided, single submitter. Criteria: ICSL Variant Classification Criteria 13 December 2019. Collection method: clinical testing. Allele origin: germline.

Clinical Genetics DNA and cytogenetics Diagnostics Lab, Erasmus MC, Erasmus Medical Center
Classification: Uncertain significance. Review status: no assertion criteria provided. Collection method: clinical testing. Allele origin: germline. Affected: yes. Study: VKGL Data-share Consensus. Not counted in ClinVar's aggregate classification.

Genome Diagnostics Laboratory, Amsterdam University Medical Center
Classification: Uncertain significance. Review status: no assertion criteria provided. Collection method: clinical testing. Allele origin: germline. Affected: yes. Study: VKGL Data-share Consensus. Not counted in ClinVar's aggregate classification.